The following is an entry in ClinVar:

ClinVar aggregate classification (germline): Pathogenic/Likely pathogenic. Review status: criteria provided, multiple submitters, no conflicts (2 of 4 stars). 7 submissions from 7 submitters: Pathogenic (2); Likely pathogenic (4). 1 of the submissions does not count toward it. Last evaluated 2025-07-31.

Conditions:
Mismatch repair cancer syndrome 4. Identifiers: MedGen C5436817, MONDO:0030843, OMIM 619101.
Lynch syndrome 4 (LYNCH4). Also called: Hereditary non-polyposis colorectal cancer, type 4; Colorectal cancer, hereditary nonpolyposis, type 4. Identifiers: Orphanet 144, MedGen C1838333, MONDO:0013699, OMIM 614337. Disease mechanism: loss of function.
PMS2-related disorder. Also called: PMS2-related condition.
Hereditary nonpolyposis colon cancer (HNPCC). Also called: Hereditary Nonpolyposis Colorectal Cancer Syndrome; Hereditary nonpolyposis colorectal cancer; Familial nonpolyposis colon cancer. Identifiers: Orphanet 443909, MedGen C1333990, MONDO:0018630. Disease mechanism: loss of function.
Hereditary nonpolyposis colorectal neoplasms. Identifiers: MedGen C0009405, MeSH D003123.
Hereditary cancer-predisposing syndrome. Also called: Hereditary Cancer Syndrome; Hereditary neoplastic syndrome; Neoplastic Syndromes, Hereditary; Tumor predisposition. Identifiers: Orphanet 140162, MedGen C0027672, MeSH D009386, MONDO:0015356.

Allele frequency attached by ClinVar (database versions not stated): gnomAD exomes below 0.00001.
gnomAD v4.1: 1 of 1,594,938 alleles (0.000063%); highest among the groups gnomAD compares: Admixed American, 0.0017%; no homozygotes.

Submissions (7):

Labcorp Genetics (formerly Invitae), Labcorp
Classification: Pathogenic for Hereditary nonpolyposis colorectal neoplasms. Last evaluated: 2025-07-31. Review status: criteria provided, single submitter. Criteria: Invitae Variant Classification Sherloc (09022015). Collection method: clinical testing. Allele origin: germline.
Comment: This sequence change affects a donor splice site in intron 5 of the PMS2 gene. RNA analysis indicates that disruption of this splice site induces altered splicing and may result in an absent or altered protein product. This variant is present in population databases (no rsID available, gnomAD 0.003%). Disruption of this splice site has been observed in individuals with colorectal and endometrial cancer (PMID: 20587412, 31992580; internal data). ClinVar contains an entry for this variant (Variation ID: 215994). Studies have shown that disruption of this splice site results in skipping of exon 5, and produces a non-functional protein and/or introduces a premature termination codon (internal data). For these reasons, this variant has been classified as Pathogenic.

Women's Health and Genetics/Laboratory Corporation of America, LabCorp
Classification: Pathogenic for Hereditary nonpolyposis colon cancer. Last evaluated: 2025-05-19. Review status: criteria provided, single submitter. Criteria: LabCorp Variant Classification Summary - May 2015. Collection method: clinical testing. Allele origin: germline.
Comment: Variant summary: PMS2 c.537+1G>A is located in a canonical splice-site and is predicted to affect mRNA splicing resulting in a significantly altered protein due to either exon skipping, shortening, or inclusion of intronic material. Variants that disrupt the consensus splice site are a relatively common cause of aberrant splicing and loss of PMS2 function. Several computational tools predict a significant impact on normal splicing: Four predict the variant abolishes a 5' splicing donor site. However, these predictions have yet to be confirmed by functional studies. The variant allele was found at a frequency of 6.3e-07 in 1594938 control chromosomes. c.537+1G>A has been observed in individuals affected with Lynch Syndrome (Wang_2020, Invitae internal data). To our knowledge, no experimental evidence demonstrating an impact on protein function has been reported. The following publications have been ascertained in the context of this evaluation (PMID: 31992580). ClinVar contains an entry for this variant (Variation ID: 215994). Based on the evidence outlined above, the variant was classified as pathogenic.

GeneDx
Classification: Likely pathogenic. Last evaluated: 2024-05-07. Review status: criteria provided, single submitter. Criteria: GeneDx Variant Classification Process June 2021. Collection method: clinical testing. Allele origin: germline. Affected: yes.
Comment: Observed in an individual with colorectal cancer (PMID: 31992580); Canonical splice site variant predicted to result in a null allele in a gene for which loss of function is a known mechanism of disease; Not observed at significant frequency in large population cohorts (gnomAD); This variant is associated with the following publications: (PMID: 20587412, 29922827, 31992580)

Myriad Genetics, Inc.
Classification: Likely pathogenic for Lynch syndrome 4. Last evaluated: 2023-09-19. Review status: criteria provided, single submitter. Criteria: Myriad Autosomal Dominant, Autosomal Recessive and X-Linked Classification Criteria (2023). Collection method: clinical testing. Allele origin: unknown.
Comment: This variant is considered likely pathogenic. This variant occurs within a consensus splice junction and is predicted to result in abnormal mRNA splicing of either an out-of-frame exon or an in-frame exon necessary for protein stability and/or normal function.

Fulgent Genetics
Classification: Likely pathogenic for Lynch syndrome 4; Mismatch repair cancer syndrome 4. Last evaluated: 2022-05-13. Review status: criteria provided, single submitter. Criteria: ACMG Guidelines, 2015. Collection method: clinical testing. Allele origin: unknown.

Ambry Genetics
Classification: Likely pathogenic for Hereditary cancer-predisposing syndrome. Last evaluated: 2021-02-26. Review status: criteria provided, single submitter. Criteria: Ambry Variant Classification Scheme 2023. Collection method: clinical testing. Allele origin: germline.
Comment: The c.537+1G>A intronic variant results from a G to A substitution one nucleotide after coding exon 5 of the PMS2 gene. This nucleotide position is highly conserved in available vertebrate species. In silico splice site analysis predicts that this alteration will weaken the native splice donor site. Alterations that disrupt the canonical splice site are expected to cause aberrant splicing, resulting in an abnormal protein or a transcript that is subject to nonsense-mediated mRNA decay. As such, this alteration is classified as likely pathogenic.

PreventionGenetics, part of Exact Sciences
Classification: Likely pathogenic for PMS2-related condition. Last evaluated: 2024-06-22. Review status: no assertion criteria provided. Collection method: clinical testing. Allele origin: germline. Not counted in ClinVar's aggregate classification.
Comment: The PMS2 c.537+1G>A variant is predicted to disrupt the GT donor site and interfere with normal splicing. This variant was reported in an individual with colorectal cancer (Wang et al. 2020. PubMed ID: 31992580). This variant is reported in 0.0029% of alleles in individuals of Latino descent in gnomAD. This variant has been interpreted as likely pathogenic in ClinVar. Variants that disrupt the consensus splice donor site in PMS2 are expected to be pathogenic. This variant is interpreted as likely pathogenic.

Literature cited by the submitters: PubMed 20587412 (cited by Labcorp Genetics (formerly Invitae), Labcorp); PubMed 31992580 (cited by 3 submitters); PubMed 39334433 (cited by Women's Health and Genetics/Laboratory Corporation of America, LabCorp).

NM_000535.7(PMS2):c.537+1G>A

Gene: PMS2 (PMS1 homolog 2, mismatch repair system component; minus strand). Cytogenetic location: 7p22.1.
Variant type: single nucleotide variant.
Coding change: c.537+1G>A on transcript NM_000535.7 (MANE Select); the canonical splice donor site of the intron after coding-DNA position 537, G replaced by A.
Molecular consequence: splice donor variant. On other transcripts: intron variant (1).
Genome position (GRCh38, 1-based): chr7:6,002,452, C>T on the plus strand (G>A on the coding strand, the complement: PMS2 is on the minus strand). VCF-style: chr7-6002452-C-T. GRCh37 (hg19) VCF-style: chr7-6042083-C-T.
Other names: c.219+1G>A (NM_001322008.2, NM_001406902.1, NM_001406883.1 and 4 more transcripts); c.228+1G>A (NM_001406881.1, NM_001406879.1, NM_001322015.2 and 6 more transcripts); c.132+1G>A (NM_001406895.1, NM_001406911.1, NM_001322010.2 and 24 more transcripts); c.-348+1G>A (NM_001322012.2, NM_001322011.2); c.250+1520G>A (NM_001406885.1); c.537+1G>A (NM_001406886.1, NM_001406884.1, NM_001406874.1 and 9 more transcripts); c.561+1G>A (NM_001406868.1); c.723+1G>A (NM_001406866.1).
Identifiers: ClinVar variation 215994 (VCV000215994.17), dbSNP rs863224450, ClinGen allele CA339064.